The following is an entry in ClinVar:

NM_001384474.1(LOXHD1):c.5208C>T (p.Gly1736=)

Gene: LOXHD1 (lipoxygenase homology PLAT domains 1; minus strand). Cytogenetic location: 18q21.1.
Variant type: single nucleotide variant.
Coding change: c.5208C>T on transcript NM_001384474.1 (MANE Select); coding-DNA position 5208, C replaced by T.
Protein change: p.Gly1736=; no amino-acid change (glycine 1736 retained).
Molecular consequence: synonymous variant. On other transcripts: intron variant (1).
Genome position (GRCh38, 1-based): chr18:46,521,160, G>A on the plus strand (C>T on the coding strand, the complement: LOXHD1 is on the minus strand). VCF-style: chr18-46521160-G-A. GRCh37 (hg19) VCF-style: chr18-44101123-G-A.
Other names: c.1875C>T, p.Gly625= (NM_001145472.3); c.1587C>T, p.Gly529= (NM_001308013.2); c.5085+941C>T (NM_144612.7).
Identifiers: ClinVar variation 3353738 (VCV003353738.9).

ClinVar aggregate classification (germline): Likely benign. Review status: criteria provided, single submitter (1 of 4 stars). 2 submissions from 2 submitters: Likely benign (1). 1 of the submissions does not count toward it. Last evaluated 2025-08-01.

Conditions:
LOXHD1-related disorder. Also called: LOXHD1-related condition.

Submissions (2):

CeGaT Center for Human Genetics Tuebingen
Classification: Likely benign. Last evaluated: 2025-08-01. Review status: criteria provided, single submitter. Criteria: CeGaT Center For Human Genetics Tuebingen Variant Classification Criteria Version 2. Collection method: clinical testing. Allele origin: germline. Affected: yes. Observed: 1 variant allele.
Comment: LOXHD1: BP4, BP7

PreventionGenetics, part of Exact Sciences
Classification: Likely benign for LOXHD1-related condition. Last evaluated: 2024-05-15. Review status: no assertion criteria provided. Collection method: clinical testing. Allele origin: germline. Not counted in ClinVar's aggregate classification.
Comment: This variant is classified as likely benign based on ACMG/AMP sequence variant interpretation guidelines (Richards et al. 2015 PMID: 25741868, with internal and published modifications).